The following is an entry in ClinVar:

NM_001114753.3(ENG):c.220-1G>A

Gene: ENG (endoglin; minus strand). Cytogenetic location: 9q34.11.
Variant type: single nucleotide variant.
Coding change: c.220-1G>A on transcript NM_001114753.3 (MANE Select); the canonical splice acceptor site of the intron before coding-DNA position 220, G replaced by A.
Molecular consequence: splice acceptor variant.
Genome position (GRCh38, 1-based): chr9:127,829,828, C>T on the plus strand (G>A on the coding strand, the complement: ENG is on the minus strand). VCF-style: chr9-127829828-C-T. GRCh37 (hg19) VCF-style: chr9-130592107-C-T.
Other names: c.220-1G>A (NM_000118.4, NM_001406715.1); c.-327-1G>A (NM_001278138.2).
Identifiers: ClinVar variation 439650 (VCV000439650.19), dbSNP rs1554810936, ClinGen allele CA374986465.

ClinVar aggregate classification (germline): Pathogenic. Review status: criteria provided, multiple submitters, no conflicts (2 of 4 stars). 3 submissions from 3 submitters: Pathogenic (2). 1 of the submissions does not count toward it. Last evaluated 2022-11-08.

Conditions:
Hereditary hemorrhagic telangiectasia (HHT). Also called: ORW DISEASE; Osler Weber Rendu syndrome; OSLER-RENDU-WEBER DISEASE; Osler hemorrhagic telangiectasia syndrome. Identifiers: Orphanet 774, MedGen C0039445, MONDO:0019180. Disease mechanism: loss of function.
ENG-related disorder. Also called: ENG-related condition; ENG-related disorders.

Submissions (3):

Labcorp Genetics (formerly Invitae), Labcorp
Classification: Pathogenic for Hereditary hemorrhagic telangiectasia. Last evaluated: 2022-11-08. Review status: criteria provided, single submitter. Criteria: Invitae Variant Classification Sherloc (09022015). Collection method: clinical testing. Allele origin: germline.
Comment: For these reasons, this variant has been classified as Pathogenic. Algorithms developed to predict the effect of sequence changes on RNA splicing suggest that this variant may disrupt the consensus splice site. ClinVar contains an entry for this variant (Variation ID: 439650). Disruption of this splice site has been observed in individuals with clinical features of hereditary hemorrhagic telangiectasia (Invitae). It has also been observed to segregate with disease in related individuals. This variant is not present in population databases (gnomAD no frequency). This sequence change affects an acceptor splice site in intron 2 of the ENG gene. It is expected to disrupt RNA splicing. Variants that disrupt the donor or acceptor splice site typically lead to a loss of protein function (PMID: 16199547), and loss-of-function variants in ENG are known to be pathogenic (PMID: 15879500).

ARUP Laboratories, Molecular Genetics and Genomics, ARUP Laboratories
Classification: Pathogenic. Last evaluated: 2016-10-07. Review status: criteria provided, single submitter. Criteria: ARUP Molecular Germline Variant Investigation Process. Collection method: clinical testing. Allele origin: germline.

PreventionGenetics, part of Exact Sciences
Classification: Likely pathogenic for ENG-related condition. Last evaluated: 2024-08-08. Review status: no assertion criteria provided. Collection method: clinical testing. Allele origin: germline. Not counted in ClinVar's aggregate classification.
Comment: The ENG c.220-1G>A variant is predicted to disrupt the AG splice acceptor site and interfere with normal splicing. To our knowledge this variant has not been reported in the literature or in a large population database, indicating this variant is rare. Variants that disrupt the consensus splice acceptor site in ENG are expected to be pathogenic. This variant is interpreted as likely pathogenic.

Literature cited by the submitters: PubMed 16199547 (cited by Labcorp Genetics (formerly Invitae), Labcorp); PubMed 15879500 (cited by Labcorp Genetics (formerly Invitae), Labcorp).